The following is an entry in ClinVar:

ClinVar aggregate classification (germline): Uncertain significance (1 of 4 stars; one submission).

Conditions:
Spastic paraplegia. Identifiers: MedGen C0037772, HP:0001258.

Submission:

Labcorp Genetics (formerly Invitae), Labcorp
Classification: Uncertain significance for Spastic paraplegia. Last evaluated: 2025-06-18. Review status: criteria provided, single submitter. Criteria: Invitae Variant Classification Sherloc (09022015). Collection method: clinical testing. Allele origin: germline.
Comment: This sequence change affects codon 974 of the KIF5A mRNA. It is a 'silent' change, meaning that it does not change the encoded amino acid sequence of the KIF5A protein. This variant is not present in population databases (gnomAD no frequency). This variant has not been reported in the literature in individuals affected with KIF5A-related conditions. ClinVar contains an entry for this variant (Variation ID: 2012552). Algorithms developed to predict the effect of sequence changes on RNA splicing suggest that this variant may create or strengthen a splice site. In summary, the available evidence is currently insufficient to determine the role of this variant in disease. Therefore, it has been classified as a Variant of Uncertain Significance.

NM_004984.4(KIF5A):c.2922C>T (p.Ser974=)

Gene: KIF5A (kinesin family member 5A; plus strand). Cytogenetic location: 12q13.3.
Variant type: single nucleotide variant.
Coding change: c.2922C>T on transcript NM_004984.4 (MANE Select); coding-DNA position 2922, C replaced by T.
Protein change: p.Ser974=; no amino-acid change (serine 974 retained).
Molecular consequence: synonymous variant.
Genome position (GRCh38, 1-based): chr12:57,581,882, C>T. VCF-style: chr12-57581882-C-T. GRCh37 (hg19) VCF-style: chr12-57975665-C-T.
Other names: c.2655C>T, p.Ser885= (NM_001354705.2).
Identifiers: ClinVar variation 2012552 (VCV002012552.4), dbSNP rs2540516246, ClinGen allele CA480266219.